The following is an entry in ClinVar:

ClinVar aggregate classification (germline): Conflicting classifications of pathogenicity. Review status: criteria provided, conflicting classifications (1 of 4 stars). 3 submissions from 3 submitters: Likely pathogenic (2); Uncertain significance (1). Last evaluated 2024-05-01.

Conditions:
Hypertrophic cardiomyopathy. Also called: HYPERTROPHIC MYOCARDIOPATHY. Identifiers: Orphanet 217569, MedGen C0007194, MeSH D002312, MONDO:0005045, HP:0001639.
Cardiomyopathy (CMYO). Also called: Cardiomyopathies. Identifiers: Orphanet 167848, MedGen C0878544, MONDO:0004994, HP:0001638. Inheritance: Various modes of inheritance.

Submissions (3):

Labcorp Genetics (formerly Invitae), Labcorp
Classification: Uncertain significance for Hypertrophic cardiomyopathy. Last evaluated: 2024-05-01. Review status: criteria provided, single submitter. Criteria: Invitae Variant Classification Sherloc (09022015). Collection method: clinical testing. Allele origin: germline.
Comment: This sequence change replaces tyrosine, which is neutral and polar, with cysteine, which is neutral and slightly polar, at codon 266 of the MYH7 protein (p.Tyr266Cys). This variant is not present in population databases (gnomAD no frequency). This missense change has been observed in individual(s) with hypertrophic cardiomyopathy (PMID: 18953637). ClinVar contains an entry for this variant (Variation ID: 1197914). An algorithm developed to predict the effect of missense changes on protein structure and function (PolyPhen-2) suggests that this variant is likely to be disruptive. This variant is found within a region of MYH7 between codons 181 and 937 that contains the majority of the myosin head domain. Missense variants in this region have been shown to be significantly overrepresented in individuals with hypertrophic cardiomyopathy (PMID: 27532257). In summary, the available evidence is currently insufficient to determine the role of this variant in disease. Therefore, it has been classified as a Variant of Uncertain Significance.

GeneDx
Classification: Likely pathogenic. Last evaluated: 2023-05-05. Review status: criteria provided, single submitter. Criteria: GeneDx Variant Classification Process June 2021. Collection method: clinical testing. Allele origin: germline. Affected: yes.
Comment: Not observed at significant frequency in large population cohorts (gnomAD); In silico analysis supports that this missense variant has a deleterious effect on protein structure/function; This variant is associated with the following publications: (PMID: 18953637, 27532257, 29300372)

CHEO Genetics Diagnostic Laboratory, Children's Hospital of Eastern Ontario
Classification: Likely pathogenic for Cardiomyopathy. Last evaluated: 2022-01-19. Review status: criteria provided, single submitter. Criteria: ACMG Guidelines, 2015. Collection method: clinical testing. Allele origin: germline.

Literature cited by the submitters: PubMed 18953637 (cited by Labcorp Genetics (formerly Invitae), Labcorp); PubMed 27532257 (cited by Labcorp Genetics (formerly Invitae), Labcorp).

NM_000257.4(MYH7):c.797A>G (p.Tyr266Cys)

Gene: MYH7 (myosin heavy chain 7; minus strand). Cytogenetic location: 14q11.2.
Variant type: single nucleotide variant.
Coding change: c.797A>G on transcript NM_000257.4 (MANE Select); coding-DNA position 797, A replaced by G.
Protein change: p.Tyr266Cys; replaces tyrosine 266 with cysteine.
Molecular consequence: missense variant.
Genome position (GRCh38, 1-based): chr14:23,430,999, T>C on the plus strand (A>G on the coding strand, the complement: MYH7 is on the minus strand). VCF-style: chr14-23430999-T-C. GRCh37 (hg19) VCF-style: chr14-23900208-T-C.
Other names: c.797A>G (NM_000257.3); short protein forms Y266C.
Identifiers: ClinVar variation 1197914 (VCV001197914.10), dbSNP rs2138680281, ClinGen allele CA389052025.
Genomic context (GRCh38, chr14:23,430,999, plus strand): 5'-AAAATGTGATAATCTCTCTCTGCTTTCAGCTGGAAAATAACTCTGGATTTTTCCAGAAGA[T>C]CTGTGAACAGGTGGGGAGAAGAAGGAGAGAAAGAAAAGTTAGGGTTTGGGCACAAGGAAA-3'
Protein context (NP_000248.2, residues 256-276): GKLASADIET[Tyr266Cys]LLEKSRVIFQ